The following is an entry in ClinVar:

ClinVar aggregate classification (germline): Likely benign. Review status: criteria provided, multiple submitters, no conflicts (2 of 4 stars). 3 submissions from 3 submitters: Likely benign (3). Last evaluated 2025-08-13.

Conditions:
MORC2-related disorder. Also called: MORC2-related condition.
Charcot-Marie-Tooth disease axonal type 2Z. Also called: CHARCOT-MARIE-TOOTH DISEASE, AXONAL, AUTOSOMAL DOMINANT, TYPE 2Z; CHARCOT-MARIE-TOOTH NEUROPATHY, TYPE 2Z. Identifiers: Orphanet 466768, MedGen C5569025, MONDO:0014736, OMIM 616688.

Allele frequency attached by ClinVar (database versions not stated): gnomAD exomes below 0.00001; ExAC 0.00001; gnomAD 0.00003 and 0.00004; TOPMed 0.00006.
gnomAD v4.1: 16 of 1,613,932 alleles (0.00099%); highest among the groups gnomAD compares: African/African-American, 0.011%; no homozygotes.

Submissions (3):

PreventionGenetics, part of Exact Sciences
Classification: Likely benign for MORC2-related condition. Last evaluated: 2025-08-13. Review status: criteria provided, single submitter. Criteria: ACMG Guidelines, 2015. Collection method: clinical testing. Allele origin: germline.
Comment: This variant is classified as likely benign based on ACMG/AMP sequence variant interpretation guidelines (Richards et al. 2015 PMID: 25741868, with internal and published modifications).

Labcorp Genetics (formerly Invitae), Labcorp
Classification: Likely benign for Charcot-Marie-Tooth disease axonal type 2Z. Last evaluated: 2024-08-19. Review status: criteria provided, single submitter. Criteria: Invitae Variant Classification Sherloc (09022015). Collection method: clinical testing. Allele origin: germline.

CeGaT Center for Human Genetics Tuebingen
Classification: Likely benign. Last evaluated: 2022-09-01. Review status: criteria provided, single submitter. Criteria: CeGaT Center For Human Genetics Tuebingen Variant Classification Criteria Version 2. Collection method: clinical testing. Allele origin: germline. Affected: yes. Observed: 1 variant allele.
Comment: MORC2: BP4, BP7

NM_001303256.3(MORC2):c.2970G>A (p.Thr990=)

Gene: MORC2 (MORC family CW-type zinc finger 2; minus strand). Cytogenetic location: 22q12.2.
Variant type: single nucleotide variant.
Coding change: c.2970G>A on transcript NM_001303256.3 (MANE Select); coding-DNA position 2970, G replaced by A.
Protein change: p.Thr990=; no amino-acid change (threonine 990 retained).
Molecular consequence: synonymous variant.
Genome position (GRCh38, 1-based): chr22:30,928,079, C>T on the plus strand (G>A on the coding strand, the complement: MORC2 is on the minus strand). VCF-style: chr22-30928079-C-T. GRCh37 (hg19) VCF-style: chr22-31324066-C-T.
Other names: c.2970G>A, p.Thr990= (NM_001303257.2); c.2784G>A, p.Thr928= (NM_014941.3); c.2970G>A (NM_001303256.2).
Identifiers: ClinVar variation 716265 (VCV000716265.33), dbSNP rs781327828, ClinGen allele CA10186502.